The following is an entry in ClinVar:

ClinVar aggregate classification (germline): Uncertain significance (1 of 4 stars; one submission).

Conditions:
Neurofibromatosis, type 2 (SWNV). Also called: BILATERAL ACOUSTIC NEUROFIBROMATOSIS; SCHWANNOMATOSIS, VESTIBULAR; NF2-Related Schwannomatosis. Identifiers: Orphanet 637, MedGen C0027832, MONDO:0007039, OMIM 101000. Disease mechanism: loss of function.

Submission:

Labcorp Genetics (formerly Invitae), Labcorp
Classification: Uncertain significance for Neurofibromatosis, type 2. Last evaluated: 2024-09-12. Review status: criteria provided, single submitter. Criteria: Invitae Variant Classification Sherloc (09022015). Collection method: clinical testing. Allele origin: germline.
Comment: This sequence change replaces isoleucine, which is neutral and non-polar, with methionine, which is neutral and non-polar, at codon 412 of the NF2 protein (p.Ile412Met). This variant is not present in population databases (gnomAD no frequency). This variant has not been reported in the literature in individuals affected with NF2-related conditions. Invitae Evidence Modeling of protein sequence and biophysical properties (such as structural, functional, and spatial information, amino acid conservation, physicochemical variation, residue mobility, and thermodynamic stability) indicates that this missense variant is not expected to disrupt NF2 protein function with a negative predictive value of 80%. In summary, the available evidence is currently insufficient to determine the role of this variant in disease. Therefore, it has been classified as a Variant of Uncertain Significance.

NM_000268.4(NF2):c.1236C>G (p.Ile412Met)

Gene: NF2 (NF2, moesin-ezrin-radixin like (MERLIN) tumor suppressor; plus strand). Cytogenetic location: 22q12.2.
Variant type: single nucleotide variant.
Coding change: c.1236C>G on transcript NM_000268.4 (MANE Select); coding-DNA position 1236, C replaced by G.
Protein change: p.Ile412Met; replaces isoleucine 412 with methionine.
Molecular consequence: missense variant. On other transcripts: intron variant (1).
Genome position (GRCh38, 1-based): chr22:29,673,382, C>G. VCF-style: chr22-29673382-C-G. GRCh37 (hg19) VCF-style: chr22-30069371-C-G.
Other names: c.1122C>G, p.Ile374Met (NM_001407053.1, NM_001407056.1); c.1113C>G, p.Ile371Met (NM_001407054.1, NM_001407058.1, NM_181829.3); c.1110C>G, p.Ile370Met (NM_001407055.1, NM_181828.3); c.1101C>G, p.Ile367Met (NM_001407057.1, NM_001407059.1); c.1236C>G, p.Ile412Met (NM_001407060.1, NM_001407066.1, NM_016418.5 and 2 more transcripts); c.978C>G, p.Ile326Met (NM_001407062.1); c.987C>G, p.Ile329Met (NM_001407063.1, NM_001407064.1, NM_181830.3 and 1 more transcripts); c.702C>G, p.Ile234Met (NM_001407065.1); and 2 more; short protein forms I412M, I326M, I329M, I367M, I374M, I234M, I370M, I335M.
Identifiers: ClinVar variation 3708443 (VCV003708443.2).
Genomic context (GRCh38, chr22:29,673,382, plus strand): 5'-GGAGGAGGCAAAACTTCTGGCCCAGAAGGCCGCAGAGGCTGAGCAGGAAATGCAGCGCAT[C>G]AAGGCCACAGCGATTCGCACGGAGGAGGAGAAGCGCCTGATGGAGCAGAAGGTGCTGGAA-3'
Protein context (NP_000259.1, residues 402-422): AAEAEQEMQR[Ile412Met]KATAIRTEEE